The following is an entry in ClinVar:

NM_015937.6(PIGT):c.1730C>A (p.Pro577Gln)

Gene: PIGT (phosphatidylinositol glycan anchor biosynthesis class T; plus strand). Cytogenetic location: 20q13.12.
Variant type: single nucleotide variant.
Coding change: c.1730C>A on transcript NM_015937.6 (MANE Select); coding-DNA position 1730, C replaced by A.
Protein change: p.Pro577Gln; replaces proline 577 with glutamine.
Molecular consequence: missense variant. On other transcripts: non-coding transcript variant (5).
Genome position (GRCh38, 1-based): chr20:45,425,819, C>A. VCF-style: chr20-45425819-C-A. GRCh37 (hg19) VCF-style: chr20-44054459-C-A.
Other names: c.1562C>A, p.Pro521Gln (NM_001184728.3); c.1529C>A, p.Pro510Gln (NM_001184729.3); c.1424C>A, p.Pro475Gln (NM_001184730.3); short protein forms P475Q, P510Q, P521Q, P577Q.
Identifiers: ClinVar variation 4086663 (VCV004086663.1).

ClinVar aggregate classification (germline): Uncertain significance (1 of 4 stars; one submission).

gnomAD v4.1: 50 of 1,613,200 alleles (0.0031%); highest among the groups gnomAD compares: African/African-American, 0.04%; no homozygotes.

Submission:

GeneDx
Classification: Uncertain significance. Last evaluated: 2025-03-18. Review status: criteria provided, single submitter. Criteria: GeneDx Variant Classification Process June 2021. Collection method: clinical testing. Allele origin: germline. Affected: yes.
Comment: In silico analysis indicates that this missense variant does not alter protein structure/function; Has not been previously published as pathogenic or benign to our knowledge